The following is an entry in ClinVar:

ClinVar aggregate classification (germline): Uncertain significance (1 of 4 stars; one submission).

Allele frequency attached by ClinVar (database versions not stated): ExAC 0.00002; ESP Exome Variant Server 0.00008.
gnomAD v4.1: 23 of 1,613,784 alleles (0.0014%); highest among the groups gnomAD compares: Non-Finnish European, 0.0019%; no homozygotes.

Submission:

Ambry Genetics
Classification: Uncertain significance. Last evaluated: 2020-11-10. Review status: criteria provided, single submitter. Criteria: Ambry Variant Classification Scheme 2023. Collection method: clinical testing. Allele origin: germline.
Comment: The p.S559C variant (also known as c.1675A>T), located in coding exon 14 of the IKBKAP gene, results from an A to T substitution at nucleotide position 1675. The serine at codon 559 is replaced by cysteine, an amino acid with dissimilar properties. This amino acid position is not well conserved in available vertebrate species. In addition, this alteration is predicted to be tolerated by in silico analysis. Since supporting evidence is limited at this time, the clinical significance of this alteration remains unclear.

NM_003640.5(ELP1):c.1675A>T (p.Ser559Cys)

Gene: ELP1 (elongator acetyltransferase complex subunit 1; minus strand). Cytogenetic location: 9q31.3.
Variant type: single nucleotide variant.
Coding change: c.1675A>T on transcript NM_003640.5 (MANE Select); coding-DNA position 1675, A replaced by T.
Protein change: p.Ser559Cys; replaces serine 559 with cysteine.
Molecular consequence: missense variant.
Genome position (GRCh38, 1-based): chr9:108,903,638, T>A on the plus strand (A>T on the coding strand, the complement: ELP1 is on the minus strand). VCF-style: chr9-108903638-T-A. GRCh37 (hg19) VCF-style: chr9-111665918-T-A.
Other names: c.1333A>T, p.Ser445Cys (NM_001318360.2); c.628A>T, p.Ser210Cys (NM_001330749.2); short protein forms S210C, S445C, S559C.
Identifiers: ClinVar variation 1800186 (VCV001800186.2), dbSNP rs150638391, ClinGen allele CA5174928.